The following is an entry in ClinVar:

ClinVar aggregate classification (germline): Uncertain significance (1 of 4 stars; one submission).

Allele frequency attached by ClinVar (database versions not stated): TOPMed 0.00001; ExAC 0.00004.
gnomAD v4.1: 52 of 1,607,036 alleles (0.0032%); highest among the groups gnomAD compares: Non-Finnish European, 0.0043%; no homozygotes.

Submission:

Labcorp Genetics (formerly Invitae), Labcorp
Classification: Uncertain significance. Last evaluated: 2025-11-28. Review status: criteria provided, single submitter. Criteria: Invitae Variant Classification Sherloc (09022015). Collection method: clinical testing. Allele origin: germline.
Comment: This sequence change falls in intron 19 of the COL11A1 gene. It does not directly change the encoded amino acid sequence of the COL11A1 protein. It affects a nucleotide within the consensus splice site. This variant is present in population databases (rs766017266, gnomAD 0.004%). This variant has not been reported in the literature in individuals affected with COL11A1-related conditions. ClinVar contains an entry for this variant (Variation ID: 2183731). Variants that disrupt the consensus splice site are a relatively common cause of aberrant splicing (PMID: 17576681, 9536098). Algorithms developed to predict the effect of sequence changes on RNA splicing suggest that this variant is not likely to affect RNA splicing. In summary, the available evidence is currently insufficient to determine the role of this variant in disease. Therefore, it has been classified as a Variant of Uncertain Significance.

Literature cited by the submitters: PubMed 17576681; PubMed 9536098.

NM_001854.4(COL11A1):c.1899+4T>G

Gene: COL11A1 (collagen type XI alpha 1 chain; minus strand). Cytogenetic location: 1p21.1.
Variant type: single nucleotide variant.
Coding change: c.1899+4T>G on transcript NM_001854.4 (MANE Select); 4 bases into the intron after coding-DNA position 1899, T replaced by G.
Molecular consequence: intron variant.
Genome position (GRCh38, 1-based): chr1:103,004,604, A>C on the plus strand (T>G on the coding strand, the complement: COL11A1 is on the minus strand). VCF-style: chr1-103004604-A-C. GRCh37 (hg19) VCF-style: chr1-103470160-A-C.
Other names: c.1782+4T>G (NM_001190709.2); c.1935+4T>G (NM_080629.3); c.1551+4T>G (NM_080630.4).
Identifiers: ClinVar variation 2183731 (VCV002183731.4), dbSNP rs766017266, ClinGen allele CA974768.